The following is an entry in ClinVar:

NM_182961.4(SYNE1):c.11541G>A (p.Met3847Ile)

Gene: SYNE1 (spectrin repeat containing nuclear envelope protein 1; minus strand). Cytogenetic location: 6q25.2.
Variant type: single nucleotide variant.
Coding change: c.11541G>A on transcript NM_182961.4 (MANE Select); coding-DNA position 11541, G replaced by A.
Protein change: p.Met3847Ile; replaces methionine 3847 with isoleucine.
Molecular consequence: missense variant.
Genome position (GRCh38, 1-based): chr6:152,352,066, C>T on the plus strand (G>A on the coding strand, the complement: SYNE1 is on the minus strand). VCF-style: chr6-152352066-C-T. GRCh37 (hg19) VCF-style: chr6-152673201-C-T.
Other names: c.11496G>A, p.Met3832Ile (NM_033071.5); short protein forms M3847I, M3832I.
Identifiers: ClinVar variation 288849 (VCV000288849.23), dbSNP rs74463786, ClinGen allele CA4056671.

ClinVar aggregate classification (germline): Conflicting classifications of pathogenicity. Review status: criteria provided, conflicting classifications (1 of 4 stars). 9 submissions from 8 submitters: Uncertain significance (1); Benign (3); Likely benign (5). Last evaluated 2026-01-27.

Conditions:
Emery-Dreifuss muscular dystrophy 4, autosomal dominant (EDMD4). Also called: EMERY-DREIFUSS MUSCULAR DYSTROPHY 4 WITH VARIABLE FEATURES. Identifiers: Orphanet 261, MedGen C2751807, MONDO:0013071, OMIM 612998.
Inborn genetic diseases. Identifiers: MedGen C0950123, MeSH D030342.
Autosomal recessive ataxia, Beauce type. Also called: Spinocerebellar ataxia, autosomal recessive 8; SYNE1-Related Autosomal Recessive Cerebellar Ataxia; SYNE1 Deficiency; ATAXIA, RECESSIVE, OF BEAUCE. Identifiers: Orphanet 88644, MedGen C1853116, MONDO:0012549, OMIM 610743.

Allele frequency attached by ClinVar (database versions not stated): gnomAD exomes 0.00028 and 0.00067; ExAC 0.00085; 1000 Genomes Project 0.00200; 1000 Genomes Project 30x 0.00203; gnomAD 0.00265 and 0.00290; TOPMed 0.00286; ESP Exome Variant Server 0.00392.
gnomAD v4.1: 811 of 1,614,142 alleles (0.05%); highest among the groups gnomAD compares: African/African-American, 0.99%; 5 homozygotes.

Submissions (9):

Labcorp Genetics (formerly Invitae), Labcorp
Classification: Benign for Emery-Dreifuss muscular dystrophy 4, autosomal dominant; Autosomal recessive ataxia, Beauce type. Last evaluated: 2026-01-27. Review status: criteria provided, single submitter. Criteria: Invitae Variant Classification Sherloc (09022015). Collection method: clinical testing. Allele origin: germline.

Blueprint Genetics
Classification: Likely benign. Last evaluated: 2024-06-24. Review status: criteria provided, single submitter. Criteria: ACMG Guidelines, 2015. Collection method: clinical testing. Allele origin: germline.

Ambry Genetics
Classification: Uncertain significance for Inborn genetic diseases. Last evaluated: 2021-08-13. Review status: criteria provided, single submitter. Criteria: Ambry Variant Classification Scheme 2023. Collection method: clinical testing. Allele origin: germline.

GeneDx
Classification: Likely benign. Last evaluated: 2020-12-08. Review status: criteria provided, single submitter. Criteria: GeneDx Variant Classification Process June 2021. Collection method: clinical testing. Allele origin: germline. Affected: yes.

Illumina Laboratory Services, Illumina
Classification: Likely benign for Autosomal recessive ataxia, Beauce type. Last evaluated: 2018-01-12. Review status: criteria provided, single submitter. Criteria: ICSL Variant Classification Criteria 13 December 2019. Collection method: clinical testing. Allele origin: germline.
Comment: This variant was observed in the ICSL laboratory as part of a predisposition screen in an ostensibly healthy population. It had not been previously curated by ICSL or reported in the Human Gene Mutation Database (HGMD: prior to June 1st, 2018), and was therefore a candidate for classification through an automated scoring system. Utilizing variant allele frequency, disease prevalence and penetrance estimates, and inheritance mode, an automated score was calculated to assess if this variant is too frequent to cause the disease. Based on the score and internal cut-off values, a variant classified as likely benign is not then subjected to further curation. The score for this variant resulted in a classification of likely benign for this disease.

Illumina Laboratory Services, Illumina
Classification: Benign for Emery-Dreifuss muscular dystrophy 4, autosomal dominant. Last evaluated: 2018-01-12. Review status: criteria provided, single submitter. Criteria: ICSL Variant Classification Criteria 13 December 2019. Collection method: clinical testing. Allele origin: germline.
Comment: This variant was observed in the ICSL laboratory as part of a predisposition screen in an ostensibly healthy population. It had not been previously curated by ICSL or reported in the Human Gene Mutation Database (HGMD: prior to June 1st, 2018), and was therefore a candidate for classification through an automated scoring system. Utilizing variant allele frequency, disease prevalence and penetrance estimates, and inheritance mode, an automated score was calculated to assess if this variant is too frequent to cause the disease. Based on the score and internal cut-off values, a variant classified as benign is not then subjected to further curation. The score for this variant resulted in a classification of benign for this disease.

Athena Diagnostics
Classification: Likely benign. Last evaluated: 2016-12-30. Review status: criteria provided, single submitter. Criteria: Athena Diagnostics Criteria. Collection method: clinical testing. Allele origin: germline.

Eurofins Ntd Llc (ga)
Classification: Benign. Last evaluated: 2016-07-08. Review status: criteria provided, single submitter. Criteria: EGL Classification Definitions 2015. Collection method: clinical testing. Allele origin: germline. Observed: 2 variant alleles, 2 heterozygotes.

Breakthrough Genomics
Classification: Likely benign. Review status: criteria provided, single submitter. Criteria: ACMG Guidelines, 2015. Collection method: not provided. Allele origin: germline. Inheritance: Autosomal recessive inheritance. Affected: yes.